The following is an entry in ClinVar:

ClinVar aggregate classification (germline): Uncertain significance (1 of 4 stars; one submission).

Conditions:
Squalene synthase deficiency. Also called: NEURODEVELOPMENTAL DISORDER WITH LOW CHOLESTEROL AND ABNORMAL URINE ORGANIC ACIDS. Identifiers: MedGen C4748427, MONDO:0032566, OMIM 618156.

Allele frequency attached by ClinVar (database versions not stated): gnomAD exomes below 0.00001; TOPMed below 0.00001; ExAC 0.00001.

Submission:

Baylor Genetics
Classification: Uncertain significance for Squalene synthase deficiency. Last evaluated: 2020-07-20. Review status: criteria provided, single submitter. Criteria: ACMG Guidelines, 2015. Collection method: clinical testing. Allele origin: unknown. Affected: yes.
Comment: This variant was determined to be of uncertain significance according to ACMG Guidelines, 2015 [PMID:25741868].

NM_004462.5(FDFT1):c.670C>G (p.Gln224Glu)

Gene: FDFT1 (farnesyl-diphosphate farnesyltransferase 1). Cytogenetic location: 8p23.1.
Variant type: single nucleotide variant.
Coding change: c.670C>G on transcript NM_004462.5 (MANE Select); coding-DNA position 670, C replaced by G.
Protein change: p.Gln224Glu; replaces glutamine 224 with glutamic acid.
Molecular consequence: missense variant.
Genome position (GRCh38, 1-based): chr8:11,826,183, C>G. VCF-style: chr8-11826183-C-G. GRCh37 (hg19) VCF-style: chr8-11683692-C-G.
Other names: c.670C>G, p.Gln224Glu (NM_001287743.2, NM_001287742.2); c.478C>G, p.Gln160Glu (NM_001287744.2, NM_001287745.2, NM_001287747.2 and 2 more transcripts); c.415C>G, p.Gln139Glu (NM_001287751.2); c.169C>G, p.Gln57Glu (NM_001287756.2); c.847C>G, p.Gln283Glu (NM_001287750.2); short protein forms Q57E, Q139E, Q160E, Q224E, Q283E.
Identifiers: ClinVar variation 1028764 (VCV001028764.1), dbSNP rs769523244, ClinGen allele CA4631916.